The following is an entry in ClinVar:

ClinVar aggregate classification (germline): Benign. Review status: reviewed by expert panel (3 of 4 stars). 4 submissions from 4 submitters: Benign (1). 3 of the submissions do not count toward it. Last evaluated 2016-09-28.

Conditions:
Breast-ovarian cancer, familial, susceptibility to, 1 (BROVCA1). Also called: BRCA1 Hereditary Breast and Ovarian Cancer; OVARIAN CANCER, SUSCEPTIBILITY TO. Identifiers: Orphanet 145, MedGen C2676676, MONDO:0011450, OMIM 604370. Disease mechanism: loss of function.

Allele frequency attached by ClinVar (database versions not stated): gnomAD 0.00009 and 0.00099; TOPMed 0.00017; gnomAD exomes 0.00465 and 0.00471; 1000 Genomes Project 30x 0.00828; 1000 Genomes Project 0.00839; ExAC 0.01533.
gnomAD v4.1: 1,740 of 497,250 alleles (0.35%); highest among the groups gnomAD compares: South Asian, 2.6%; 35 homozygotes.

Submissions (4):

Evidence-based Network for the Interpretation of Germline Mutant Alleles (ENIGMA)
Classification: Benign for Breast-ovarian cancer, familial, susceptibility to, 1. Last evaluated: 2016-09-28. Review status: reviewed by expert panel. Criteria: ENIGMA BRCA1/2 Classification Criteria (2015). Collection method: curation. Allele origin: germline.
Comment: Class 1 not pathogenic based on frequency >1% in an outbred sampleset. Frequency 0.0399 (South Asian), derived from 1000 genomes (2013-05-02).

Genetic Services Laboratory, University of Chicago
Classification: Benign. Last evaluated: 2019-11-12. Review status: criteria provided, single submitter. Criteria: ACMG Guidelines, 2015. Collection method: clinical testing. Allele origin: germline. Affected: no. Not counted in ClinVar's aggregate classification.

GeneDx
Classification: Likely benign. Last evaluated: 2019-09-28. Review status: criteria provided, single submitter. Criteria: GeneDx Variant Classification Process June 2021. Collection method: clinical testing. Allele origin: germline. Affected: yes. Not counted in ClinVar's aggregate classification.

Illumina Laboratory Services, Illumina
Classification: Likely benign for Breast-ovarian cancer, familial, susceptibility to, 1. Last evaluated: 2018-09-12. Review status: criteria provided, single submitter. Criteria: ICSL Variant Classification Criteria 13 December 2019. Collection method: clinical testing. Allele origin: germline. Not counted in ClinVar's aggregate classification.
Comment: This variant was observed as part of a predisposition screen in an ostensibly healthy population. A literature search was performed for the gene, cDNA change, and amino acid change (where applicable). No publications were found based on this search. Allele frequency data from public databases allowed determination this variant is unlikely to cause disease. Therefore, this variant is classified as likely benign.

NM_007294.4(BRCA1):c.*1327G>A

Gene: BRCA1 (BRCA1 DNA repair associated; minus strand). Cytogenetic location: 17q21.31.
Variant type: single nucleotide variant.
Coding change: c.*1327G>A on transcript NM_007294.4 (MANE Select); 1327 bases downstream of the stop codon, G replaced by A.
Molecular consequence: 3 prime UTR variant. On other transcripts: non-coding transcript variant (1).
Genome position (GRCh38, 1-based): chr17:43,044,351, C>T on the plus strand (G>A on the coding strand, the complement: BRCA1 is on the minus strand). VCF-style: chr17-43044351-C-T. GRCh37 (hg19) VCF-style: chr17-41196368-C-T.
Other names: c.*1327G>A (NM_001407571.1, NM_001407581.1, NM_001407582.1 and 348 more transcripts); c.*1433G>A (NM_001407854.1, NM_001407858.1, NM_001407859.1 and 14 more transcripts).
Identifiers: ClinVar variation 264789 (VCV000264789.11), dbSNP rs184237074, ClinGen allele CA052922.